The following is an entry in ClinVar:

ClinVar aggregate classification (germline): Uncertain significance (1 of 4 stars; one submission).

Conditions:
Carnitine palmitoyl transferase 1A deficiency. Also called: Carnitine palmitoyltransferase type I deficiency; CPT deficiency, hepatic, type IA; CPT I DEFICIENCY; CPT DEFICIENCY, HEPATIC, TYPE I; Carnitine palmitoyltransferase 1A deficiency. Identifiers: Orphanet 156, MedGen C1829703, MONDO:0009705, OMIM 255120.

Submission:

Labcorp Genetics (formerly Invitae), Labcorp
Classification: Uncertain significance for Carnitine palmitoyl transferase 1A deficiency. Last evaluated: 2024-10-19. Review status: criteria provided, single submitter. Criteria: Invitae Variant Classification Sherloc (09022015). Collection method: clinical testing. Allele origin: germline.
Comment: This sequence change creates a premature translational stop signal (p.Thr745Argfs*10) in the CPT1A gene. While this is not anticipated to result in nonsense mediated decay, it is expected to disrupt the last 29 amino acid(s) of the CPT1A protein. This variant is not present in population databases (gnomAD no frequency). This variant has not been reported in the literature in individuals affected with CPT1A-related conditions. Experimental studies and prediction algorithms are not available or were not evaluated, and the functional significance of this variant is currently unknown. In summary, the available evidence is currently insufficient to determine the role of this variant in disease. Therefore, it has been classified as a Variant of Uncertain Significance.

NM_001876.4(CPT1A):c.2234del (p.Thr745fs)

Gene: CPT1A (carnitine palmitoyltransferase 1A; minus strand). Cytogenetic location: 11q13.3.
Variant type: Deletion.
Coding change: c.2234del on transcript NM_001876.4 (MANE Select); coding-DNA position 2234, one base deleted (C; older notation c.2234delC).
Protein change: p.Thr745fs; shifts the reading frame from threonine 745.
Molecular consequence: frameshift variant.
Genome position (GRCh38, 1-based): chr11:68,759,570, G deleted on the plus strand (C on the coding strand, the reverse complement: CPT1A is on the minus strand). VCF-style (leftmost placement, unchanged base first): chr11-68759569-CG-C. GRCh37 (hg19) VCF-style: chr11-68527037-CG-C.
Other names: c.2234del, p.Thr745fs (NM_001031847.3); short protein forms T745fs.
Identifiers: ClinVar variation 3613303 (VCV003613303.2).
Genomic context (GRCh38, chr11:68,759,569, plus strand): 5'-TAAAAAGAATAAAGCAAAAATACCCCATCTTCAGAAAAAGGAACTTCTTTTCATACATAC[CG>C]TCTCAGGGCAAGAGAACTTGGAAGAAATGTGGAAATTGATGAGGTTCTCTCCCACAAGGA-3'